The following is an entry in ClinVar:

ClinVar aggregate classification (germline): Uncertain significance. Review status: criteria provided, multiple submitters, no conflicts (2 of 4 stars). 2 submissions from 2 submitters: Uncertain significance (2). Last evaluated 2025-09-08.

Allele frequency attached by ClinVar (database versions not stated): ExAC 0.00003; gnomAD 0.00003; gnomAD exomes 0.00003 and 0.00006; TOPMed 0.00003; ESP Exome Variant Server 0.00008.
gnomAD v4.1: 54 of 1,596,806 alleles (0.0034%); highest among the groups gnomAD compares: Admixed American, 0.015%; no homozygotes.

Submissions (2):

Labcorp Genetics (formerly Invitae), Labcorp
Classification: Uncertain significance. Last evaluated: 2025-09-08. Review status: criteria provided, single submitter. Criteria: Invitae Variant Classification Sherloc (09022015). Collection method: clinical testing. Allele origin: germline.
Comment: This sequence change replaces glutamic acid, which is acidic and polar, with lysine, which is basic and polar, at codon 449 of the TCF3 protein (p.Glu449Lys). This variant is present in population databases (rs375386417, gnomAD 0.02%). This variant has not been reported in the literature in individuals affected with TCF3-related conditions. ClinVar contains an entry for this variant (Variation ID: 1408375). Invitae Evidence Modeling of protein sequence and biophysical properties (such as structural, functional, and spatial information, amino acid conservation, physicochemical variation, residue mobility, and thermodynamic stability) indicates that this missense variant is not expected to disrupt TCF3 protein function with a negative predictive value of 80%. In summary, the available evidence is currently insufficient to determine the role of this variant in disease. Therefore, it has been classified as a Variant of Uncertain Significance.

ARUP Laboratories, Molecular Genetics and Genomics, ARUP Laboratories
Classification: Uncertain significance. Last evaluated: 2024-02-05. Review status: criteria provided, single submitter. Criteria: ARUP Molecular Germline Variant Investigation Process 2024. Collection method: clinical testing. Allele origin: germline.
Comment: The TCF3 c.1345G>A; p.Glu449Lys variant (rs375386417), to our knowledge, is not reported in the medical literature but is reported in ClinVar (Variation ID: 1408375). This variant is observed in the general population with an overall allele frequency of 0.005% (14/264630 alleles) in the Genome Aggregation Database (v2.1.1). Computational analyses are uncertain whether this variant is neutral or deleterious (REVEL: 0.312). Due to limited information, the clinical significance of this variant is uncertain at this time.

NM_003200.5(TCF3):c.1345G>A (p.Glu449Lys)

Gene: TCF3 (transcription factor 3; minus strand). Cytogenetic location: 19p13.3.
Variant type: single nucleotide variant.
Coding change: c.1345G>A on transcript NM_003200.5 (MANE Select); coding-DNA position 1345, G replaced by A.
Protein change: p.Glu449Lys; replaces glutamic acid 449 with lysine.
Molecular consequence: missense variant.
Genome position (GRCh38, 1-based): chr19:1,619,216, C>T on the plus strand (G>A on the coding strand, the complement: TCF3 is on the minus strand). VCF-style: chr19-1619216-C-T. GRCh37 (hg19) VCF-style: chr19-1619215-C-T.
Other names: c.1345G>A, p.Glu449Lys (NM_001136139.4, NM_001351779.2); c.1342G>A, p.Glu448Lys (NM_001351778.2); short protein forms E448K, E449K.
Identifiers: ClinVar variation 1408375 (VCV001408375.7), dbSNP rs375386417, ClinGen allele CA9049892.